The following is an entry in ClinVar:

ClinVar aggregate classification (germline): Uncertain significance (1 of 4 stars; one submission).

Conditions:
GNAS-related disorder. Identifiers: MedGen CN380105.

gnomAD v4.1: 11 of 1,595,418 alleles (0.00069%); highest among the groups gnomAD compares: Non-Finnish European, 0.00085%; no homozygotes.

Submission:

PreventionGenetics, part of Exact Sciences
Classification: Uncertain significance for GNAS-related condition. Last evaluated: 2025-04-11. Review status: criteria provided, single submitter. Criteria: ACMG Guidelines, 2015. Collection method: clinical testing. Allele origin: germline.
Comment: The GNAS c.1568G>A variant is predicted to result in the amino acid substitution p.Arg523Lys. This variant is referred to as c.-36894G>A (pre-coding) with an alternate transcript NM_000516. To our knowledge, this variant has not been reported in the literature. This variant is reported in 0.0011% of alleles in individuals of European (Non-Finnish) descent in gnomAD. At this time, the clinical significance of this variant is uncertain due to the absence of conclusive functional and genetic evidence.

NM_080425.4(GNAS):c.1568G>A (p.Arg523Lys)

Gene: GNAS (GNAS complex locus; plus strand). Cytogenetic location: 20q13.32.
Variant type: single nucleotide variant.
Coding change: c.1568G>A on transcript NM_080425.4 (MANE Plus Clinical); coding-DNA position 1568, G replaced by A.
Protein change: p.Arg523Lys; replaces arginine 523 with lysine.
Molecular consequence: missense variant. On other transcripts: intron variant (3).
Genome position (GRCh38, 1-based): chr20:58,854,833, G>A. VCF-style: chr20-58854833-G-A. GRCh37 (hg19) VCF-style: chr20-57429888-G-A.
Other names: c.1381G>A, p.Asp461Asn (NM_001077490.3, NM_001309883.1); c.1568G>A, p.Arg523Lys (NM_001410913.1); c.*42+13947G>A (NM_016592.5); c.43+13947G>A (NM_001410912.1); c.-39+12958G>A (NM_001309861.2); short protein forms R523K, D461N.
Identifiers: ClinVar variation 4989112 (VCV004989112.1).